The following is an entry in ClinVar:

NM_022041.4(GAN):c.91G>C (p.Asp31His)

Genes: GAN (gigaxonin; plus strand), LOC130059498 (ATAC-STARR-seq lymphoblastoid silent region 7753; plus strand). Cytogenetic location: 16q23.2.
Variant type: single nucleotide variant.
Coding change: c.91G>C on transcript NM_022041.4 (MANE Select); coding-DNA position 91, G replaced by C.
Protein change: p.Asp31His; replaces aspartic acid 31 with histidine.
Molecular consequence: missense variant. On other transcripts: 5 prime UTR variant (1).
Genome position (GRCh38, 1-based): chr16:81,315,204, G>C. VCF-style: chr16-81315204-G-C. GRCh37 (hg19) VCF-style: chr16-81348809-G-C.
Other names: c.-434G>C (NM_001377486.1); short protein forms D31H.
Identifiers: ClinVar variation 1766176 (VCV001766176.5), dbSNP rs1176204049, ClinGen allele CA396854732.

ClinVar aggregate classification (germline): Uncertain significance. Review status: criteria provided, multiple submitters, no conflicts (2 of 4 stars). 2 submissions from 2 submitters: Uncertain significance (2). Last evaluated 2023-10-11.

Conditions:
Giant axonal neuropathy 1 (GAN1). Also called: GIANT AXONAL NEUROPATHY 1, AUTOSOMAL RECESSIVE; GAN-Related Neurodegeneration. Identifiers: Orphanet 643, MedGen C1850386, MONDO:0009749, OMIM 256850.
Inborn genetic diseases. Identifiers: MedGen C0950123, MeSH D030342.

Allele frequency attached by ClinVar (database versions not stated): gnomAD exomes below 0.00001.
gnomAD v4.1: 2 of 1,579,358 alleles (0.00013%); highest among the groups gnomAD compares: South Asian, 0.0023%; no homozygotes.

Submissions (2):

Labcorp Genetics (formerly Invitae), Labcorp
Classification: Uncertain significance for Giant axonal neuropathy 1. Last evaluated: 2023-10-11. Review status: criteria provided, single submitter. Criteria: Invitae Variant Classification Sherloc (09022015). Collection method: clinical testing. Allele origin: germline.
Comment: This sequence change replaces aspartic acid, which is acidic and polar, with histidine, which is basic and polar, at codon 31 of the GAN protein (p.Asp31His). The frequency data for this variant in the population databases is considered unreliable, as metrics indicate poor data quality at this position in the gnomAD database. This variant has not been reported in the literature in individuals affected with GAN-related conditions. ClinVar contains an entry for this variant (Variation ID: 1766176). Advanced modeling of protein sequence and biophysical properties (such as structural, functional, and spatial information, amino acid conservation, physicochemical variation, residue mobility, and thermodynamic stability) performed at Invitae indicates that this missense variant is expected to disrupt GAN protein function. In summary, the available evidence is currently insufficient to determine the role of this variant in disease. Therefore, it has been classified as a Variant of Uncertain Significance.

Ambry Genetics
Classification: Uncertain significance for Inborn genetic diseases. Last evaluated: 2022-01-30. Review status: criteria provided, single submitter. Criteria: Ambry Variant Classification Scheme 2023. Collection method: clinical testing. Allele origin: germline.
Comment: The p.D31H variant (also known as c.91G>C), located in coding exon 1 of the GAN gene, results from a G to C substitution at nucleotide position 91. The aspartic acid at codon 31 is replaced by histidine, an amino acid with similar properties. This amino acid position is conserved. In addition, this alteration is predicted to be deleterious by in silico analysis. Since supporting evidence is limited at this time, the clinical significance of this alteration remains unclear.